The following is an entry in ClinVar:

ClinVar aggregate classification (germline): Uncertain significance. Review status: criteria provided, multiple submitters, no conflicts (2 of 4 stars). 2 submissions from 2 submitters: Uncertain significance (2). Last evaluated 2022-11-14.

Conditions:
Ataxia-telangiectasia syndrome (AT). Also called: ATAXIA-TELANGIECTASIA, COMPLEMENTATION GROUP A; ATAXIA-TELANGIECTASIA, FRESNO VARIANT; Ataxia-telangiectasia; Ataxia-telangiectasia, complementation group D; Ataxia-telangiectasia, complementation group E; Ataxia telangiectasia (A-T). Identifiers: Orphanet 100, MedGen C0004135, MONDO:0008840, OMIM 208900.

Submissions (2):

GeneDx
Classification: Uncertain significance. Last evaluated: 2022-11-14. Review status: criteria provided, single submitter. Criteria: GeneDx Variant Classification Process June 2021. Collection method: clinical testing. Allele origin: germline. Affected: yes.
Comment: Not observed at significant frequency in large population cohorts (gnomAD); In silico analysis supports that this missense variant does not alter protein structure/function; Has not been previously published as pathogenic or benign to our knowledge

Labcorp Genetics (formerly Invitae), Labcorp
Classification: Uncertain significance for Ataxia-telangiectasia syndrome. Last evaluated: 2021-03-29. Review status: criteria provided, single submitter. Criteria: Invitae Variant Classification Sherloc (09022015). Collection method: clinical testing. Allele origin: germline.
Comment: In summary, the available evidence is currently insufficient to determine the role of this variant in disease. Therefore, it has been classified as a Variant of Uncertain Significance. Advanced modeling of protein sequence and biophysical properties (such as structural, functional, and spatial information, amino acid conservation, physicochemical variation, residue mobility, and thermodynamic stability) performed at Invitae indicates that this missense variant is not expected to disrupt ATM protein function. This variant has not been reported in the literature in individuals with ATM-related conditions. This variant is not present in population databases (ExAC no frequency). This sequence change replaces leucine with proline at codon 1561 of the ATM protein (p.Leu1561Pro). The leucine residue is moderately conserved and there is a moderate physicochemical difference between leucine and proline.

NM_000051.4(ATM):c.4682T>C (p.Leu1561Pro)

Gene: ATM (ATM serine/threonine kinase; plus strand). Cytogenetic location: 11q22.3.
Variant type: single nucleotide variant.
Coding change: c.4682T>C on transcript NM_000051.4 (MANE Select); coding-DNA position 4682, T replaced by C.
Protein change: p.Leu1561Pro; replaces leucine 1561 with proline.
Molecular consequence: missense variant.
Genome position (GRCh38, 1-based): chr11:108,293,383, T>C. VCF-style: chr11-108293383-T-C. GRCh37 (hg19) VCF-style: chr11-108164110-T-C.
Other names: c.4682T>C (NM_000051.3); c.4682T>C, p.Leu1561Pro (NM_001351834.2); short protein forms L1561P.
Identifiers: ClinVar variation 1355482 (VCV001355482.8), dbSNP rs2135811719, ClinGen allele CA382534758.